The following is an entry in ClinVar:

NM_000512.5(GALNS):c.93del (p.Asn32fs)

Genes: GALNS (galactosamine (N-acetyl)-6-sulfatase; minus strand), TRAPPC2L (trafficking protein particle complex subunit 2L; plus strand), LOC130059762 (ATAC-STARR-seq lymphoblastoid silent region 7883; plus strand). Cytogenetic location: 16q24.3.
Variant type: Deletion.
Coding change: c.93del on transcript NM_000512.5 (MANE Select); coding-DNA position 93, one base deleted (C; older notation c.93delC).
Protein change: p.Asn32fs; shifts the reading frame from asparagine 32.
Molecular consequence: frameshift variant. On other transcripts: 5 prime UTR variant (2).
Genome position (GRCh38, 1-based): chr16:88,856,785, G deleted on the plus strand (C on the coding strand, the reverse complement: GALNS is on the minus strand); the first of 6 consecutive G bases (chr16:88,856,785-88,856,790); deleting any one gives the same sequence. VCF-style (leftmost placement, unchanged base first): chr16-88856784-TG-T. GRCh37 (hg19) VCF-style: chr16-88923192-TG-T.
Other names: c.-339del (NM_001323543.2); c.-60del (NM_001323544.2); short protein forms N32fs.
Identifiers: ClinVar variation 2776836 (VCV002776836.3), dbSNP rs769669958, ClinGen allele CA8235401.

ClinVar aggregate classification (germline): Pathogenic (1 of 4 stars; one submission).

Conditions:
Mucopolysaccharidosis, MPS-IV-A (MPS4A). Also called: Morquio syndrome A, mild; MORQUIO SYNDROME A; GALACTOSAMINE-6-SULFATASE DEFICIENCY; GALNS DEFICIENCY; MORQUIO A DISEASE; Mucopolysaccharidosis type IV A. Identifiers: Orphanet 309297, Orphanet 582, MedGen C0086651, MONDO:0009659, OMIM 253000.

Submission:

Labcorp Genetics (formerly Invitae), Labcorp
Classification: Pathogenic for Mucopolysaccharidosis, MPS-IV-A. Last evaluated: 2023-06-01. Review status: criteria provided, single submitter. Criteria: Invitae Variant Classification Sherloc (09022015). Collection method: clinical testing. Allele origin: germline.
Comment: For these reasons, this variant has been classified as Pathogenic. This variant has not been reported in the literature in individuals affected with GALNS-related conditions. The frequency data for this variant in the population databases is considered unreliable, as metrics indicate poor data quality at this position in the gnomAD database. This sequence change creates a premature translational stop signal (p.Asn32Thrfs*97) in the GALNS gene. It is expected to result in an absent or disrupted protein product. Loss-of-function variants in GALNS are known to be pathogenic (PMID: 12442278).

Literature cited by the submitters: PubMed 12442278.